The following is an entry in ClinVar:

NM_000368.5(TSC1):c.160T>C (p.Ser54Pro)

Gene: TSC1 (TSC complex subunit 1; minus strand). Cytogenetic location: 9q34.13.
Variant type: single nucleotide variant.
Coding change: c.160T>C on transcript NM_000368.5 (MANE Select); coding-DNA position 160, T replaced by C.
Protein change: p.Ser54Pro; replaces serine 54 with proline.
Molecular consequence: missense variant. On other transcripts: 5 prime UTR variant (9), non-coding transcript variant (4), intron variant (9).
Genome position (GRCh38, 1-based): chr9:132,927,251, A>G on the plus strand (T>C on the coding strand, the complement: TSC1 is on the minus strand). VCF-style: chr9-132927251-A-G. GRCh37 (hg19) VCF-style: chr9-135802638-A-G.
Other names: c.160T>C, p.Ser54Pro (NM_001406608.1, NM_001406609.1, NM_001406610.1 and 21 more transcripts); c.-329T>C (NM_001406615.1, NM_001406623.1); c.-296T>C (NM_001406616.1, NM_001406624.1); c.-718T>C (NM_001406626.1, NM_001406627.1, NM_001406628.1); c.-860T>C (NM_001406629.1); c.-934T>C (NM_001406630.1); c.-153-1512T>C (NM_001406620.1, NM_001406618.1, NM_001406625.1 and 5 more transcripts); c.-245-1512T>C (NM_001406614.1); short protein forms S54P.
Identifiers: ClinVar variation 4810316 (VCV004810316.1).

ClinVar aggregate classification (germline): Uncertain significance (1 of 4 stars; one submission).

Conditions:
Tuberous sclerosis 1 (TSC1). Identifiers: Orphanet 805, MedGen C1854465, MONDO:0008612, OMIM 191100.

gnomAD v4.1: 1 of 1,614,106 alleles (0.000062%); no homozygotes.

Submission:

Labcorp Genetics (formerly Invitae), Labcorp
Classification: Uncertain significance for Tuberous sclerosis 1. Last evaluated: 2025-04-23. Review status: criteria provided, single submitter. Criteria: Invitae Variant Classification Sherloc (09022015). Collection method: clinical testing. Allele origin: germline.
Comment: This sequence change replaces serine, which is neutral and polar, with proline, which is neutral and non-polar, at codon 54 of the TSC1 protein (p.Ser54Pro). This variant is not present in population databases (gnomAD no frequency). This variant has not been reported in the literature in individuals affected with TSC1-related conditions. Invitae Evidence Modeling of protein sequence and biophysical properties (such as structural, functional, and spatial information, amino acid conservation, physicochemical variation, residue mobility, and thermodynamic stability) has been performed for this missense variant. However, the output from this modeling did not meet the statistical confidence thresholds required to predict the impact of this variant on TSC1 protein function. In summary, the available evidence is currently insufficient to determine the role of this variant in disease. Therefore, it has been classified as a Variant of Uncertain Significance.